The following is an entry in ClinVar:

NM_000152.5(GAA):c.[2228A>G;2237G>C]

Variant type: Haplotype.
Identifiers: ClinVar variation 561160 (VCV000561160.2).

ClinVar aggregate classification (germline): Pathogenic (1 of 4 stars; one submission).

Conditions:
Glycogen storage disease, type II (IOPD). Also called: Glucosidase acid-1,4-alpha deficiency; POMPE DISEASE, INFANTILE-ONSET; GLYCOGEN STORAGE DISEASE II, INFANTILE-ONSET; ACID ALPHA-GLUCOSIDASE DEFICIENCY, INFANTILE-ONSET; GAA DEFICIENCY, INFANTILE-ONSET; ACID MALTASE DEFICIENCY, INFANTILE-ONSET. Identifiers: Orphanet 365, MedGen C0017921, MONDO:0009290, OMIM 232300.

Submission:

Baylor Genetics
Classification: Pathogenic for Glycogen storage disease, type II. Last evaluated: 2017-09-01. Review status: criteria provided, single submitter. Criteria: ACMG Guidelines, 2015. Collection method: clinical testing. Allele origin: paternal. Inheritance: Autosomal recessive inheritance. Affected: yes.

Literature cited by the submitters: PubMed 18425781; PubMed 18434155; PubMed 25326635.